The following is an entry in ClinVar:

ClinVar aggregate classification (germline): Uncertain significance. Review status: criteria provided, multiple submitters, no conflicts (2 of 4 stars). 6 submissions from 6 submitters: Uncertain significance (4). 2 of the submissions do not count toward it. Last evaluated 2026-02-23.

Conditions:
Cystic fibrosis (CF). Also called: MUCOVISCIDOSIS. Identifiers: Orphanet 586, MedGen C0010674, MONDO:0009061, OMIM 219700. Disease mechanism: loss of function.
CFTR-related disorder (CFTR-RD). Also called: CFTR-related disorders; CFTR-related condition. Identifiers: MedGen C5924204, MONDO:7770004.

Allele frequency attached by ClinVar (database versions not stated): gnomAD exomes 0.00001 and below 0.00001; TOPMed 0.00003; ExAC 0.00002; gnomAD 0.00001.
gnomAD v4.1: 5 of 1,498,210 alleles (0.00033%); highest among the groups gnomAD compares: Non-Finnish European, 0.00047%; no homozygotes.

Submissions (6):

Ambry Genetics
Classification: Uncertain significance for Cystic fibrosis. Last evaluated: 2026-02-23. Review status: criteria provided, single submitter. Criteria: Ambry Variant Classification Scheme 2023. Collection method: clinical testing. Allele origin: germline.
Comment: The c.1209+6A>G intronic variant results from an A to G substitution 6 nucleotides after coding exon 9 in the CFTR gene. This variant was not reported in population based cohorts in the following databases: Database of Single Nucleotide Polymorphisms (dbSNP), NHLBI Exome Sequencing Project (ESP), and 1000 Genomes Project. In the ESP, this variant was not observed in 6495 samples (12990 alleles) with coverage at this position. This nucleotide position is not well conserved in available vertebrate species. Using the BDGP and ESEfinder splice site prediction tools, this alteration is not predicted to have any significant effect on this donor splice site; however, direct evidence is unavailable. Based on limited evidence to date, the clinical significance of this variant remains unclear.

Genome-Nilou Lab
Classification: Uncertain significance for Cystic fibrosis. Last evaluated: 2021-09-05. Review status: criteria provided, single submitter. Criteria: ACMG Guidelines, 2015. Collection method: clinical testing. Allele origin: germline. Affected: no.

Labcorp Genetics (formerly Invitae), Labcorp
Classification: Uncertain significance for Cystic fibrosis. Last evaluated: 2021-09-02. Review status: criteria provided, single submitter. Criteria: Invitae Variant Classification Sherloc (09022015). Collection method: clinical testing. Allele origin: germline.
Comment: This sequence change falls in intron 9 of the CFTR gene. It does not directly change the encoded amino acid sequence of the CFTR protein. It affects a nucleotide within the consensus splice site of the intron. This variant is present in population databases (rs749054857, ExAC 0.003%). This variant has not been reported in the literature in individuals affected with CFTR-related conditions. ClinVar contains an entry for this variant (Variation ID: 556470). Variants that disrupt the consensus splice site are a relatively common cause of aberrant splicing (PMID: 17576681, 9536098). Algorithms developed to predict the effect of sequence changes on RNA splicing suggest that this variant is not likely to affect RNA splicing. In summary, the available evidence is currently insufficient to determine the role of this variant in disease. Therefore, it has been classified as a Variant of Uncertain Significance.

Women's Health and Genetics/Laboratory Corporation of America, LabCorp
Classification: Uncertain significance. Last evaluated: 2019-11-29. Review status: criteria provided, single submitter. Criteria: LabCorp Variant Classification Summary - May 2015. Collection method: clinical testing. Allele origin: germline.
Comment: Variant summary: CFTR c.1209+6A>G alters a non-conserved nucleotide located close to a canonical splice site and therefore could affect mRNA splicing, leading to a significantly altered protein sequence. 5/5 computational tools predict no significant impact on normal splicing. However, these predictions have yet to be confirmed by functional studies. The variant allele was found at a frequency of 8e-06 in 249772 control chromosomes (gnomAD). The available data on variant occurrences in the general population are insufficient to allow any conclusion about variant significance. To our knowledge, no occurrence of c.1209+6A>G in individuals affected with Cystic Fibrosis and no experimental evidence demonstrating its impact on protein function have been reported. Based on the evidence outlined above, the variant was classified as uncertain significance.

Natera, Inc.
Classification: Uncertain significance for CFTR-related disorders. Last evaluated: 2019-01-10. Review status: no assertion criteria provided. Collection method: clinical testing. Allele origin: germline. Not counted in ClinVar's aggregate classification.

Counsyl
Classification: Uncertain significance for Cystic fibrosis. Last evaluated: 2018-02-06. Review status: no assertion criteria provided. Collection method: clinical testing. Allele origin: unknown. Not counted in ClinVar's aggregate classification.

Literature cited by the submitters: PubMed 17576681 (cited by Labcorp Genetics (formerly Invitae), Labcorp); PubMed 9536098 (cited by Labcorp Genetics (formerly Invitae), Labcorp).

NM_000492.4(CFTR):c.1209+6A>G

Gene: CFTR (CF transmembrane conductance regulator; plus strand). Cytogenetic location: 7q31.2.
Variant type: single nucleotide variant.
Coding change: c.1209+6A>G on transcript NM_000492.4 (MANE Select); 6 bases into the intron after coding-DNA position 1209, A replaced by G.
Molecular consequence: intron variant.
Genome position (GRCh38, 1-based): chr7:117,542,114, A>G. VCF-style: chr7-117542114-A-G. GRCh37 (hg19) VCF-style: chr7-117182168-A-G.
Identifiers: ClinVar variation 556470 (VCV000556470.15), dbSNP rs749054857, ClinGen allele CA4450923.